The following is an entry in ClinVar:

ClinVar aggregate classification (germline): Pathogenic (1 of 4 stars; one submission).

Conditions:
TH-deficient dopa-responsive dystonia. Also called: Tyrosine Hydroxylase-Deficient Dopa-Responsive Dystonia; Segawa syndrome, autosomal recessive; DYT-TH. Identifiers: Orphanet 101150, MedGen C2673535, MONDO:0011551, OMIM 605407.

Submission:

Labcorp Genetics (formerly Invitae), Labcorp
Classification: Pathogenic for TH-deficient dopa-responsive dystonia. Last evaluated: 2022-03-01. Review status: criteria provided, single submitter. Criteria: Invitae Variant Classification Sherloc (09022015). Collection method: clinical testing. Allele origin: germline.
Comment: For these reasons, this variant has been classified as Pathogenic. This variant has not been reported in the literature in individuals affected with TH-related conditions. This variant is not present in population databases (gnomAD no frequency). This sequence change creates a premature translational stop signal (p.Pro119Argfs*13) in the TH gene. It is expected to result in an absent or disrupted protein product. Loss-of-function variants in TH are known to be pathogenic (PMID: 22264700, 24753243).

Literature cited by the submitters: PubMed 22264700; PubMed 24753243.

NM_000360.4(TH):c.263del (p.Pro88fs)

Gene: TH (tyrosine hydroxylase; minus strand). Cytogenetic location: 11p15.5.
Variant type: Deletion.
Coding change: c.263del on transcript NM_000360.4 (MANE Select); coding-DNA position 263, one base deleted (C; older notation c.263delC).
Protein change: p.Pro88fs; shifts the reading frame from proline 88.
Molecular consequence: frameshift variant.
Genome position (GRCh38, 1-based): chr11:2,169,699, G deleted on the plus strand (C on the coding strand, the reverse complement: TH is on the minus strand); the first of 4 consecutive G bases (chr11:2,169,699-2,169,702); deleting any one gives the same sequence. VCF-style (leftmost placement, unchanged base first): chr11-2169698-CG-C. GRCh37 (hg19) VCF-style: chr11-2190928-CG-C.
Other names: c.356del, p.Pro119fs (NM_199292.3); c.344del, p.Pro115fs (NM_199293.3); short protein forms P115fs, P119fs, P88fs.
Identifiers: ClinVar variation 2105184 (VCV002105184.4), dbSNP rs2495829167, ClinGen allele CA2580082706.